The following is an entry in ClinVar:

NM_000535.7(PMS2):c.538-478_705+456del

Gene: PMS2 (PMS1 homolog 2, mismatch repair system component; minus strand). Cytogenetic location: 7p22.1.
Variant type: Deletion.
Coding change: c.538-478_705+456del on transcript NM_000535.7 (MANE Select); 478 bases into the intron before coding-DNA position 538 through 456 bases into the intron after coding-DNA position 705, 1,102 bases deleted.
Molecular consequence: splice acceptor variant, splice donor variant. On other transcripts: intron variant (1).
Genome position (GRCh38, 1-based): chr7:5,998,652-5,999,753, 1,102 bases deleted. GRCh37 (hg19): chr7:6,038,296-6,039,397.
Other names: c.220-478_387+456del (NM_001322008.2, NM_001322007.2); c.133-478_300+456del (NM_001322010.2, NM_001322004.2, NM_001322003.2 and 2 more transcripts); c.133-2330_133-1229del (NM_001322013.2); c.-347-527_-229+456del (NM_001322012.2, NM_001322011.2); c.229-478_396+456del (NM_001322015.2); c.538-478_705+456del (NM_001322006.2, NM_001322014.2).
Identifiers: ClinVar variation 91357 (VCV000091357.2), ClinGen allele CA331763.

ClinVar aggregate classification (germline): Pathogenic (3 of 4 stars; one submission).

Conditions:
Lynch syndrome. Identifiers: Orphanet 144, MedGen C4552100, MONDO:0005835. Disease mechanism: loss of function.

Submission:

International Society for Gastrointestinal Hereditary Tumours (InSiGHT)
Classification: Pathogenic for Lynch Syndrome. Last evaluated: 2013-09-05. Review status: reviewed by expert panel. Criteria: Guidelines v1.9. Collection method: research. Allele origin: germline.
Comment: In-frame large deletion interrupting ATPase domain [pmid:11574484 Guarne:2001]

Classified with v1.9 guidelines